The following is an entry in ClinVar:

NM_198252.3(GSN):c.-10+4624G>T

Genes: GSN (gelsolin; plus strand), LOC126860753 (MED14-independent group 3 enhancer GRCh37_chr9:124048350-124049549; plus strand). Cytogenetic location: 9q33.2.
Variant type: single nucleotide variant.
Coding change: c.-10+4624G>T on transcript NM_198252.3 (MANE Select); 4624 bases into the intron after 10 bases upstream of the start codon, G replaced by T.
Molecular consequence: intron variant. On other transcripts: splice donor variant (2).
Genome position (GRCh38, 1-based): chr9:121,286,186, G>T. VCF-style: chr9-121286186-G-T. GRCh37 (hg19) VCF-style: chr9-124048464-G-T.
Other names: c.-10+4624G>T (NM_001353054.1, NM_001353053.1, NM_001353060.2 and 2 more transcripts); c.-48+4624G>T (NM_001353064.2, NM_001353066.2, NM_001353076.2 and 1 more transcripts); c.-2+4624G>T (NM_001353058.2, NM_001353057.2); c.-39+3636G>T (NM_001353073.2, NM_001353068.2); c.-39+4233G>T (NM_001353065.2); c.-10+4233G>T (NM_001127664.2); c.-2+3636G>T (NM_001353059.2, NM_001353056.2); c.-48+3636G>T (NM_001353072.2); and 13 more.
Identifiers: ClinVar variation 3040327 (VCV003040327.2), dbSNP rs114410565, ClinGen allele CA5220637.
Genomic context (GRCh38, chr9:121,286,186, plus strand): 5'-GCTCCCCCCAGCCTCGCGATGGCCGAGGAAGAAGCCCTCAGGGGCAATTCTGACCCATGG[G>T]TGAGTAGCACGGGATCTGGGGTGGTCCCCGAAGCCAGCTCAGAGGAGGGACGCCAGGGAG-3'

ClinVar aggregate classification (germline): Likely benign (0 of 4 stars; one submission).

Conditions:
GSN-related disorder. Also called: GSN-related condition.

Allele frequency attached by ClinVar (database versions not stated): ExAC 0.00010; 1000 Genomes Project 30x 0.00172; 1000 Genomes Project 0.00200.
gnomAD v4.1: 305 of 1,527,806 alleles (0.02%); highest among the groups gnomAD compares: African/African-American, 0.37%; no homozygotes.

Submission:

PreventionGenetics, part of Exact Sciences
Classification: Likely benign for GSN-related condition. Last evaluated: 2021-02-01. Review status: no assertion criteria provided. Collection method: clinical testing. Allele origin: germline.
Comment: This variant is classified as likely benign based on ACMG/AMP sequence variant interpretation guidelines (Richards et al. 2015 PMID: 25741868, with internal and published modifications).